The following is an entry in ClinVar:

NM_000215.4(JAK3):c.2805+4C>A

Gene: JAK3 (Janus kinase 3; minus strand). Cytogenetic location: 19p13.11.
Variant type: single nucleotide variant.
Coding change: c.2805+4C>A on transcript NM_000215.4 (MANE Select); 4 bases into the intron after coding-DNA position 2805, C replaced by A.
Molecular consequence: intron variant.
Genome position (GRCh38, 1-based): chr19:17,831,670, G>T on the plus strand (C>A on the coding strand, the complement: JAK3 is on the minus strand). VCF-style: chr19-17831670-G-T. GRCh37 (hg19) VCF-style: chr19-17942479-G-T.
Identifiers: ClinVar variation 1905975 (VCV001905975.3), dbSNP rs1405813255, ClinGen allele CA632136083.

ClinVar aggregate classification (germline): Uncertain significance. Review status: criteria provided, multiple submitters, no conflicts (2 of 4 stars). 2 submissions from 2 submitters: Uncertain significance (2). Last evaluated 2026-03-23.

Conditions:
T-B+ severe combined immunodeficiency due to JAK3 deficiency. Also called: SCID, autosomal recessive, T-negative/B-positive type; SCID, T CELL-NEGATIVE, B CELL-POSITIVE, NK CELL-NEGATIVE. Identifiers: Orphanet 35078, MedGen C1833275, MONDO:0010938, OMIM 600802.

Allele frequency attached by ClinVar (database versions not stated): gnomAD exomes below 0.00001; gnomAD 0.00002; TOPMed 0.00006.
gnomAD v4.1: 7 of 1,605,332 alleles (0.00044%); highest among the groups gnomAD compares: Admixed American, 0.0051%; no homozygotes.

Submissions (2):

Women's Health and Genetics/Laboratory Corporation of America, LabCorp
Classification: Uncertain significance. Last evaluated: 2026-03-23. Review status: criteria provided, single submitter. Criteria: LabCorp Variant Classification Summary - May 2015. Collection method: clinical testing. Allele origin: germline.

Labcorp Genetics (formerly Invitae), Labcorp
Classification: Uncertain significance for T-B+ severe combined immunodeficiency due to JAK3 deficiency. Last evaluated: 2022-06-13. Review status: criteria provided, single submitter. Criteria: Invitae Variant Classification Sherloc (09022015). Collection method: clinical testing. Allele origin: germline.
Comment: This sequence change falls in intron 20 of the JAK3 gene. It does not directly change the encoded amino acid sequence of the JAK3 protein. It affects a nucleotide within the consensus splice site. The frequency data for this variant in the population databases is considered unreliable, as metrics indicate poor data quality at this position in the gnomAD database. This variant has not been reported in the literature in individuals affected with JAK3-related conditions. Variants that disrupt the consensus splice site are a relatively common cause of aberrant splicing (PMID: 17576681, 9536098). Algorithms developed to predict the effect of sequence changes on RNA splicing suggest that this variant is not likely to affect RNA splicing. In summary, the available evidence is currently insufficient to determine the role of this variant in disease. Therefore, it has been classified as a Variant of Uncertain Significance.

Literature cited by the submitters: PubMed 17576681 (cited by Labcorp Genetics (formerly Invitae), Labcorp); PubMed 9536098 (cited by Labcorp Genetics (formerly Invitae), Labcorp).